The following is an entry in ClinVar:

ClinVar aggregate classification (germline): Uncertain significance (1 of 4 stars; one submission).

Conditions:
Hereditary sensory and autonomic neuropathy type 6. Also called: HSAN VI; Neuropathy, hereditary sensory and autonomic, type VI. Identifiers: Orphanet 314381, MedGen C3539003, MONDO:0013839, OMIM 614653.
Epidermolysis bullosa simplex 3, localized or generalized intermediate, with BP230 deficiency (EBS3). Also called: Epidermolysis bullosa simplex due to BP230 deficiency; Epidermolysis bullosa simplex, autosomal recessive 2. Identifiers: Orphanet 412181, MedGen C3809470, MONDO:0014180, OMIM 615425.

Allele frequency attached by ClinVar (database versions not stated): gnomAD 0.00001.
gnomAD v4.1: 1 of 1,547,166 alleles (0.000065%); highest among the groups gnomAD compares: Non-Finnish European, 0.000087%; no homozygotes.

Submission:

Labcorp Genetics (formerly Invitae), Labcorp
Classification: Uncertain significance for Epidermolysis bullosa simplex 3, localized or generalized intermediate, with BP230 deficiency; Hereditary sensory and autonomic neuropathy type 6. Last evaluated: 2022-05-04. Review status: criteria provided, single submitter. Criteria: Invitae Variant Classification Sherloc (09022015). Collection method: clinical testing. Allele origin: germline.
Comment: In summary, the available evidence is currently insufficient to determine the role of this variant in disease. Therefore, it has been classified as a Variant of Uncertain Significance. Experimental studies and prediction algorithms are not available or were not evaluated, and the functional significance of this variant is currently unknown. This variant has not been reported in the literature in individuals affected with DST-related conditions. This variant is present in population databases (no rsID available, gnomAD 0.007%). This sequence change replaces glutamic acid, which is acidic and polar, with lysine, which is basic and polar, at codon 1896 of the DST protein (p.Glu1896Lys). The DST gene has multiple clinically relevant transcripts. This variant occurs in alternate transcript NM_015548.4, and corresponds to NM_001723.5:c.*43251G>A in the primary transcript.

NM_001374736.1(DST):c.13555G>A (p.Glu4519Lys)

Gene: DST (dystonin; minus strand). Cytogenetic location: 6p12.1.
Variant type: single nucleotide variant.
Coding change: c.13555G>A on transcript NM_001374736.1 (MANE Select); coding-DNA position 13555, G replaced by A.
Protein change: p.Glu4519Lys; replaces glutamic acid 4519 with lysine.
Molecular consequence: missense variant.
Genome position (GRCh38, 1-based): chr6:56,572,266, C>T on the plus strand (G>A on the coding strand, the complement: DST is on the minus strand). VCF-style: chr6-56572266-C-T. GRCh37 (hg19) VCF-style: chr6-56437064-C-T.
Other names: c.7198G>A, p.Glu2400Lys (NM_001144769.5); c.6784G>A, p.Glu2262Lys (NM_001144770.2); c.13555G>A, p.Glu4519Lys (NM_001374722.1); c.12922G>A, p.Glu4308Lys (NM_001374729.1); c.6664G>A, p.Glu2222Lys (NM_001374730.1, NM_001386100.1, NM_183380.4); c.13582G>A, p.Glu4528Lys (NM_001374734.1); c.5686G>A, p.Glu1896Lys (NM_015548.5); short protein forms E2222K, E2262K, E2400K, E4519K, E4528K, E1896K, E4308K.
Identifiers: ClinVar variation 2177976 (VCV002177976.4), dbSNP rs1433112332, ClinGen allele CA364526739.
Genomic context (GRCh38, chr6:56,572,266, plus strand): 5'-TCAAGAGACTATGCAAAACTTCAAGATGTTTCTTGTGTTCTAAAAATTCAGAAGTTGATT[C>T]CTACAAAGCATTAAGATATTCAGTCAATATAAATGTTGCTAGATCTTCAAATGGCATTCC-3'
Protein context (NP_001361665.1, residues 4509-4529): DVTELSQYMQ[Glu4519Lys]STSEFLEHKK